The following is an entry in ClinVar:

NM_033026.6(PCLO):c.5642A>C (p.Gln1881Pro)

Gene: PCLO (piccolo presynaptic cytomatrix protein; minus strand). Cytogenetic location: 7q21.11.
Variant type: single nucleotide variant.
Coding change: c.5642A>C on transcript NM_033026.6 (MANE Select); coding-DNA position 5642, A replaced by C.
Protein change: p.Gln1881Pro; replaces glutamine 1881 with proline.
Molecular consequence: missense variant.
Genome position (GRCh38, 1-based): chr7:82,955,311, T>G on the plus strand (A>C on the coding strand, the complement: PCLO is on the minus strand). VCF-style: chr7-82955311-T-G. GRCh37 (hg19) VCF-style: chr7-82584627-T-G.
Other names: c.5642A>C, p.Gln1881Pro (NM_014510.3); short protein forms Q1881P.
Identifiers: ClinVar variation 3694605 (VCV003694605.2).

ClinVar aggregate classification (germline): Uncertain significance (1 of 4 stars; one submission).

gnomAD v4.1: 1 of 1,613,542 alleles (0.000062%); highest among the groups gnomAD compares: African/African-American, 0.0013%; no homozygotes.

Submission:

Labcorp Genetics (formerly Invitae), Labcorp
Classification: Uncertain significance. Last evaluated: 2024-11-28. Review status: criteria provided, single submitter. Criteria: Invitae Variant Classification Sherloc (09022015). Collection method: clinical testing. Allele origin: germline.
Comment: This sequence change replaces glutamine, which is neutral and polar, with proline, which is neutral and non-polar, at codon 1881 of the PCLO protein (p.Gln1881Pro). This variant is present in population databases (no rsID available, gnomAD 0.007%). This variant has not been reported in the literature in individuals affected with PCLO-related conditions. Experimental studies and prediction algorithms are not available or were not evaluated, and the functional significance of this variant is currently unknown. In summary, the available evidence is currently insufficient to determine the role of this variant in disease. Therefore, it has been classified as a Variant of Uncertain Significance.